The following is an entry in ClinVar:

NM_022765.4(MICAL1):c.1396T>C (p.Tyr466His)

Gene: MICAL1 (microtubule associated monooxygenase, calponin and LIM domain containing 1; minus strand). Cytogenetic location: 6q21.
Variant type: single nucleotide variant.
Coding change: c.1396T>C on transcript NM_022765.4 (MANE Select); coding-DNA position 1396, T replaced by C.
Protein change: p.Tyr466His; replaces tyrosine 466 with histidine.
Molecular consequence: missense variant.
Genome position (GRCh38, 1-based): chr6:109,449,695, A>G on the plus strand (T>C on the coding strand, the complement: MICAL1 is on the minus strand). VCF-style: chr6-109449695-A-G. GRCh37 (hg19) VCF-style: chr6-109770898-A-G.
Other names: c.1138T>C, p.Tyr380His (NM_001159291.2); c.1453T>C, p.Tyr485His (NM_001286613.2); short protein forms Y466H, Y485H, Y380H.
Identifiers: ClinVar variation 2798494 (VCV002798494.3), dbSNP rs2482796409, ClinGen allele CA365230043.

ClinVar aggregate classification (germline): Uncertain significance (1 of 4 stars; one submission).

Allele frequency attached by ClinVar (database versions not stated): gnomAD exomes below 0.00001.
gnomAD v4.1: 2 of 1,587,718 alleles (0.00013%); highest among the groups gnomAD compares: South Asian, 0.0012%; no homozygotes.

Submission:

Labcorp Genetics (formerly Invitae), Labcorp
Classification: Uncertain significance. Last evaluated: 2023-12-09. Review status: criteria provided, single submitter. Criteria: Invitae Variant Classification Sherloc (09022015). Collection method: clinical testing. Allele origin: germline.
Comment: This sequence change replaces tyrosine, which is neutral and polar, with histidine, which is basic and polar, at codon 485 of the MICAL1 protein (p.Tyr485His). This variant is not present in population databases (gnomAD no frequency). This variant has not been reported in the literature in individuals affected with MICAL1-related conditions. An algorithm developed to predict the effect of missense changes on protein structure and function (PolyPhen-2) suggests that this variant is likely to be disruptive. In summary, the available evidence is currently insufficient to determine the role of this variant in disease. Therefore, it has been classified as a Variant of Uncertain Significance.